The following is an entry in ClinVar:

NM_007118.4(TRIO):c.5411G>T (p.Arg1804Leu)

Gene: TRIO (trio Rho guanine nucleotide exchange factor; plus strand). Cytogenetic location: 5p15.2.
Variant type: single nucleotide variant.
Coding change: c.5411G>T on transcript NM_007118.4 (MANE Select); coding-DNA position 5411, G replaced by T.
Protein change: p.Arg1804Leu; replaces arginine 1804 with leucine.
Molecular consequence: missense variant. On other transcripts: non-coding transcript variant (1).
Genome position (GRCh38, 1-based): chr5:14,461,226, G>T. VCF-style: chr5-14461226-G-T. GRCh37 (hg19) VCF-style: chr5-14461335-G-T.
Other names: short protein forms R1804L.
Identifiers: ClinVar variation 2578092 (VCV002578092.1), dbSNP rs2533487946, ClinGen allele CA359228229.

ClinVar aggregate classification (germline): Uncertain significance (1 of 4 stars; one submission).

gnomAD v4.1: 2 of 1,579,588 alleles (0.00013%); highest among the groups gnomAD compares: Non-Finnish European, 0.00017%; no homozygotes.

Submission:

GeneDx
Classification: Uncertain significance. Last evaluated: 2023-02-13. Review status: criteria provided, single submitter. Criteria: GeneDx Variant Classification Process June 2021. Collection method: clinical testing. Allele origin: germline. Affected: yes.
Comment: Not observed at significant frequency in large population cohorts (gnomAD); In silico analysis supports that this missense variant has a deleterious effect on protein structure/function; Has not been previously published as pathogenic or benign to our knowledge